The following is an entry in ClinVar:

ClinVar aggregate classification (germline): Uncertain significance (1 of 4 stars; one submission).

Conditions:
Pallister-Hall syndrome (PHS). Also called: HYPOTHALAMIC HAMARTOBLASTOMA, HYPOPITUITARISM, IMPERFORATE ANUS, AND POSTAXIAL POLYDACTYLY; GLI3-Related Pallister-Hall Syndrome. Identifiers: Orphanet 672, MedGen C0265220, MONDO:0007804, OMIM 146510.
Greig cephalopolysyndactyly syndrome (GCPS). Also called: POLYSYNDACTYLY WITH PECULIAR SKULL SHAPE; Greig syndrome; GLI3-Related Greig Cephalopolysyndactyly Syndrome. Identifiers: Orphanet 380, MedGen C0265306, MONDO:0008287, OMIM 175700.

gnomAD v4.1: 8 of 1,613,880 alleles (0.0005%); highest among the groups gnomAD compares: South Asian, 0.0011%; no homozygotes.

Submission:

Labcorp Genetics (formerly Invitae), Labcorp
Classification: Uncertain significance for Pallister-Hall syndrome; Greig cephalopolysyndactyly syndrome. Last evaluated: 2025-05-22. Review status: criteria provided, single submitter. Criteria: Invitae Variant Classification Sherloc (09022015). Collection method: clinical testing. Allele origin: germline.
Comment: This sequence change replaces glutamine, which is neutral and polar, with arginine, which is basic and polar, at codon 1333 of the GLI3 protein (p.Gln1333Arg). This variant is not present in population databases (gnomAD no frequency). This variant has not been reported in the literature in individuals affected with GLI3-related conditions. Invitae Evidence Modeling of protein sequence and biophysical properties (such as structural, functional, and spatial information, amino acid conservation, physicochemical variation, residue mobility, and thermodynamic stability) indicates that this missense variant is not expected to disrupt GLI3 protein function with a negative predictive value of 95%. In summary, the available evidence is currently insufficient to determine the role of this variant in disease. Therefore, it has been classified as a Variant of Uncertain Significance.

NM_000168.6(GLI3):c.3998A>G (p.Gln1333Arg)

Gene: GLI3 (GLI family zinc finger 3; minus strand). Cytogenetic location: 7p14.1.
Variant type: single nucleotide variant.
Coding change: c.3998A>G on transcript NM_000168.6 (MANE Select); coding-DNA position 3998, A replaced by G.
Protein change: p.Gln1333Arg; replaces glutamine 1333 with arginine.
Molecular consequence: missense variant.
Genome position (GRCh38, 1-based): chr7:41,965,075, T>C on the plus strand (A>G on the coding strand, the complement: GLI3 is on the minus strand). VCF-style: chr7-41965075-T-C. GRCh37 (hg19) VCF-style: chr7-42004673-T-C.
Other names: short protein forms Q1333R.
Identifiers: ClinVar variation 4792417 (VCV004792417.1).